The following is an entry in ClinVar:

ClinVar aggregate classification (germline): Uncertain significance (1 of 4 stars; one submission).

Conditions:
Glycogen storage disease due to muscle beta-enolase deficiency (GSD13). Also called: ENOLASE 3 DEFICIENCY; ENOLASE-BETA DEFICIENCY; GSD XIII; Glycogen Storage Disease Type XIII. Identifiers: Orphanet 99849, MedGen C2752027, MONDO:0013046, OMIM 612932.

Allele frequency attached by ClinVar (database versions not stated): TOPMed below 0.00001; gnomAD 0.00001; gnomAD exomes 0.00001 and 0.00003; ExAC 0.00002.
gnomAD v4.1: 12 of 1,614,060 alleles (0.00074%); highest among the groups gnomAD compares: Admixed American, 0.015%; no homozygotes.

Submission:

Labcorp Genetics (formerly Invitae), Labcorp
Classification: Uncertain significance for Glycogen storage disease due to muscle beta-enolase deficiency. Last evaluated: 2023-12-11. Review status: criteria provided, single submitter. Criteria: Invitae Variant Classification Sherloc (09022015). Collection method: clinical testing. Allele origin: germline.
Comment: This sequence change replaces lysine, which is basic and polar, with arginine, which is basic and polar, at codon 239 of the ENO3 protein (p.Lys239Arg). This variant is present in population databases (rs764872268, gnomAD 0.03%). This variant has not been reported in the literature in individuals affected with ENO3-related conditions. ClinVar contains an entry for this variant (Variation ID: 1392570). Advanced modeling of protein sequence and biophysical properties (such as structural, functional, and spatial information, amino acid conservation, physicochemical variation, residue mobility, and thermodynamic stability) performed at Invitae indicates that this missense variant is not expected to disrupt ENO3 protein function with a negative predictive value of 80%. In summary, the available evidence is currently insufficient to determine the role of this variant in disease. Therefore, it has been classified as a Variant of Uncertain Significance.

NM_053013.4(ENO3):c.716A>G (p.Lys239Arg)

Gene: ENO3 (enolase 3; plus strand). Cytogenetic location: 17p13.2.
Variant type: single nucleotide variant.
Coding change: c.716A>G on transcript NM_053013.4 (MANE Select); coding-DNA position 716, A replaced by G.
Protein change: p.Lys239Arg; replaces lysine 239 with arginine.
Molecular consequence: missense variant.
Genome position (GRCh38, 1-based): chr17:4,955,455, A>G. VCF-style: chr17-4955455-A-G. GRCh37 (hg19) VCF-style: chr17-4858750-A-G.
Other names: c.587A>G, p.Lys196Arg (NM_001193503.2); c.716A>G, p.Lys239Arg (NM_001374523.1, NM_001976.5); c.743A>G, p.Lys248Arg (NM_001374524.1); short protein forms K196R, K248R, K239R.
Identifiers: ClinVar variation 1392570 (VCV001392570.6), dbSNP rs764872268, ClinGen allele CA8316407.